The following is an entry in ClinVar:

NM_015338.6(ASXL1):c.775C>T (p.Leu259Phe)

Gene: ASXL1 (ASXL transcriptional regulator 1; plus strand). Cytogenetic location: 20q11.21.
Variant type: single nucleotide variant.
Coding change: c.775C>T on transcript NM_015338.6 (MANE Select); coding-DNA position 775, C replaced by T.
Protein change: p.Leu259Phe; replaces leucine 259 with phenylalanine.
Molecular consequence: missense variant.
Genome position (GRCh38, 1-based): chr20:32,431,377, C>T. VCF-style: chr20-32431377-C-T. GRCh37 (hg19) VCF-style: chr20-31019180-C-T.
Other names: c.592C>T, p.Leu198Phe (NM_001363734.1); short protein forms L198F, L259F.
Identifiers: ClinVar variation 4076839 (VCV004076839.1).

ClinVar aggregate classification (germline): Uncertain significance (1 of 4 stars; one submission).

Submission:

GeneDx
Classification: Uncertain significance. Last evaluated: 2025-02-23. Review status: criteria provided, single submitter. Criteria: GeneDx Variant Classification Process June 2021. Collection method: clinical testing. Allele origin: germline. Affected: yes.
Comment: Not observed at significant frequency in large population cohorts (gnomAD); In silico analysis supports that this missense variant has a deleterious effect on protein structure/function; Has not been previously published as pathogenic or benign to our knowledge